The following is an entry in ClinVar:

NM_004369.4(COL6A3):c.9329A>C (p.Asp3110Ala)

Gene: COL6A3 (collagen type VI alpha 3 chain; minus strand). Cytogenetic location: 2q37.3.
Variant type: single nucleotide variant.
Coding change: c.9329A>C on transcript NM_004369.4 (MANE Select); coding-DNA position 9329, A replaced by C.
Protein change: p.Asp3110Ala; replaces aspartic acid 3110 with alanine.
Molecular consequence: missense variant.
Genome position (GRCh38, 1-based): chr2:237,325,724, T>G on the plus strand (A>C on the coding strand, the complement: COL6A3 is on the minus strand). VCF-style: chr2-237325724-T-G. GRCh37 (hg19) VCF-style: chr2-238234367-T-G.
Other names: c.7508A>C, p.Asp2503Ala (NM_057166.5); c.8711A>C, p.Asp2904Ala (NM_057167.4); short protein forms D2503A, D2904A, D3110A.
Identifiers: ClinVar variation 1989305 (VCV001989305.4), dbSNP rs2469765630, ClinGen allele CA351186088.

ClinVar aggregate classification (germline): Uncertain significance (1 of 4 stars; one submission).

Conditions:
Bethlem myopathy 1A. Also called: MYOPATHY, BENIGN CONGENITAL, WITH CONTRACTURES; Bethlem myopathy 1; Bethlem Muscular Dystrophy. Identifiers: Orphanet 610, MedGen CN029274, MONDO:0024530, OMIM 158810.

Submission:

Labcorp Genetics (formerly Invitae), Labcorp
Classification: Uncertain significance for Bethlem myopathy 1A. Last evaluated: 2022-06-23. Review status: criteria provided, single submitter. Criteria: Invitae Variant Classification Sherloc (09022015). Collection method: clinical testing. Allele origin: germline.
Comment: In summary, the available evidence is currently insufficient to determine the role of this variant in disease. Therefore, it has been classified as a Variant of Uncertain Significance. Algorithms developed to predict the effect of missense changes on protein structure and function are either unavailable or do not agree on the potential impact of this missense change (SIFT: "Deleterious"; PolyPhen-2: "Not Available"; Align-GVGD: "Class C25"). This variant has not been reported in the literature in individuals affected with COL6A3-related conditions. This variant is not present in population databases (gnomAD no frequency). This sequence change replaces aspartic acid, which is acidic and polar, with alanine, which is neutral and non-polar, at codon 3110 of the COL6A3 protein (p.Asp3110Ala).